The following is an entry in ClinVar:

NM_005219.5(DIAPH1):c.*16C>T

Gene: DIAPH1 (diaphanous related formin 1; minus strand). Cytogenetic location: 5q31.3.
Variant type: single nucleotide variant.
Coding change: c.*16C>T on transcript NM_005219.5 (MANE Select); 16 bases downstream of the stop codon, C replaced by T.
Molecular consequence: 3 prime UTR variant.
Genome position (GRCh38, 1-based): chr5:141,516,835, G>A on the plus strand (C>T on the coding strand, the complement: DIAPH1 is on the minus strand). VCF-style: chr5-141516835-G-A. GRCh37 (hg19) VCF-style: chr5-140896402-G-A.
Other names: c.*16C>T (NM_001079812.3); c.*135C>T (NM_001314007.2).
Identifiers: ClinVar variation 351285 (VCV000351285.7), dbSNP rs202086273, ClinGen allele CA3478648.

ClinVar aggregate classification (germline): Likely benign. Review status: criteria provided, multiple submitters, no conflicts (2 of 4 stars). 3 submissions from 3 submitters: Likely benign (3). Last evaluated 2024-10-24.

Conditions:
Autosomal dominant nonsyndromic hearing loss 1. Also called: KONIGSMARK SYNDROME; DEAFNESS, AUTOSOMAL DOMINANT 1, WITH OR WITHOUT THROMBOCYTOPENIA. Identifiers: Orphanet 90635, MedGen C1852282, MONDO:0007424, OMIM 124900.

Allele frequency attached by ClinVar (database versions not stated): 1000 Genomes Project 0.00060; 1000 Genomes Project 30x 0.00062; gnomAD 0.00092 and 0.00096; TOPMed 0.00094; ESP Exome Variant Server 0.00103.
gnomAD v4.1: 1,871 of 1,613,728 alleles (0.12%); highest among the groups gnomAD compares: Middle Eastern, 0.31%; 4 homozygotes.

Submissions (3):

Blueprint Genetics
Classification: Likely benign. Last evaluated: 2024-10-24. Review status: criteria provided, single submitter. Criteria: ACMG Guidelines, 2015. Collection method: clinical testing. Allele origin: germline.

Illumina Laboratory Services, Illumina
Classification: Likely benign for Autosomal dominant nonsyndromic hearing loss 1. Last evaluated: 2018-01-13. Review status: criteria provided, single submitter. Criteria: ICSL Variant Classification Criteria 13 December 2019. Collection method: clinical testing. Allele origin: germline.
Comment: This variant was observed in the ICSL laboratory as part of a predisposition screen in an ostensibly healthy population. It had not been previously curated by ICSL or reported in the Human Gene Mutation Database (HGMD: prior to June 1st, 2018), and was therefore a candidate for classification through an automated scoring system. Utilizing variant allele frequency, disease prevalence and penetrance estimates, and inheritance mode, an automated score was calculated to assess if this variant is too frequent to cause the disease. Based on the score and internal cut-off values, a variant classified as likely benign is not then subjected to further curation. The score for this variant resulted in a classification of likely benign for this disease.

Breakthrough Genomics
Classification: Likely benign. Review status: criteria provided, single submitter. Criteria: ACMG Guidelines, 2015. Collection method: not provided. Allele origin: germline. Inheritance: Autosomal recessive inheritance. Affected: yes.